The following is an entry in ClinVar:

NM_000587.4(C7):c.700A>G (p.Ser234Gly)

Gene: C7 (complement C7; plus strand). Cytogenetic location: 5p13.1.
Variant type: single nucleotide variant.
Coding change: c.700A>G on transcript NM_000587.4 (MANE Select); coding-DNA position 700, A replaced by G.
Protein change: p.Ser234Gly; replaces serine 234 with glycine.
Molecular consequence: missense variant.
Genome position (GRCh38, 1-based): chr5:40,945,330, A>G. VCF-style: chr5-40945330-A-G. GRCh37 (hg19) VCF-style: chr5-40945432-A-G.
Other names: c.700A>G (NM_000587.2); short protein forms S234G.
Identifiers: ClinVar variation 1432679 (VCV001432679.9), dbSNP rs200617744, ClinGen allele CA3249730.

ClinVar aggregate classification (germline): Uncertain significance. Review status: criteria provided, multiple submitters, no conflicts (2 of 4 stars). 3 submissions from 3 submitters: Uncertain significance (3). Last evaluated 2026-08-05.

Allele frequency attached by ClinVar (database versions not stated): gnomAD exomes 0.00008; TOPMed 0.00009; ExAC 0.00010; gnomAD 0.00015; ESP Exome Variant Server 0.00017.
gnomAD v4.1: 225 of 1,608,000 alleles (0.014%); highest among the groups gnomAD compares: Non-Finnish European, 0.018%; no homozygotes.

Submissions (3):

GeneDx
Classification: Uncertain significance. Last evaluated: 2026-08-05. Review status: criteria provided, single submitter. Criteria: GeneDx Variant Classification Process June 2021. Collection method: clinical testing. Allele origin: germline.
Comment: In silico analysis suggests that this missense variant does not alter protein structure/function; Has not been previously published as pathogenic or benign to our knowledge

Labcorp Genetics (formerly Invitae), Labcorp
Classification: Uncertain significance. Last evaluated: 2025-10-18. Review status: criteria provided, single submitter. Criteria: Invitae Variant Classification Sherloc (09022015). Collection method: clinical testing. Allele origin: germline.
Comment: This sequence change replaces serine, which is neutral and polar, with glycine, which is neutral and non-polar, at codon 234 of the C7 protein (p.Ser234Gly). This variant is present in population databases (rs200617744, gnomAD 0.02%). This variant has not been reported in the literature in individuals affected with C7-related conditions. ClinVar contains an entry for this variant (Variation ID: 1432679). Invitae Evidence Modeling of protein sequence and biophysical properties (such as structural, functional, and spatial information, amino acid conservation, physicochemical variation, residue mobility, and thermodynamic stability) indicates that this missense variant is not expected to disrupt C7 protein function with a negative predictive value of 80%. In summary, the available evidence is currently insufficient to determine the role of this variant in disease. Therefore, it has been classified as a Variant of Uncertain Significance.

Blueprint Genetics
Classification: Uncertain significance. Last evaluated: 2024-04-29. Review status: criteria provided, single submitter. Criteria: ACMG Guidelines, 2015. Collection method: clinical testing. Allele origin: germline.